The following is an entry in ClinVar:

ClinVar aggregate classification (germline): Conflicting classifications of pathogenicity. Review status: criteria provided, conflicting classifications (1 of 4 stars). 2 submissions from 2 submitters: Uncertain significance (1); Likely benign (1). Last evaluated 2025-11-20.

Allele frequency attached by ClinVar (database versions not stated): gnomAD 0.00005; TOPMed 0.00008; 1000 Genomes Project 30x 0.00016; 1000 Genomes Project 0.00020.
gnomAD v4.1: 69 of 1,586,872 alleles (0.0043%); highest among the groups gnomAD compares: Admixed American, 0.034%; 1 homozygote.

Submissions (2):

Ambry Genetics
Classification: Uncertain significance. Last evaluated: 2025-11-20. Review status: criteria provided, single submitter. Criteria: Ambry Variant Classification Scheme 2023. Collection method: clinical testing. Allele origin: germline.

CeGaT Center for Human Genetics Tuebingen
Classification: Likely benign. Last evaluated: 2023-10-01. Review status: criteria provided, single submitter. Criteria: CeGaT Center For Human Genetics Tuebingen Variant Classification Criteria Version 2. Collection method: clinical testing. Allele origin: germline. Affected: yes. Observed: 1 variant allele.
Comment: MYOF: BP4, BS1

NM_013451.4(MYOF):c.3511C>T (p.Arg1171Trp)

Gene: MYOF (myoferlin; minus strand). Cytogenetic location: 10q23.33.
Variant type: single nucleotide variant.
Coding change: c.3511C>T on transcript NM_013451.4 (MANE Select); coding-DNA position 3511, C replaced by T.
Protein change: p.Arg1171Trp; replaces arginine 1171 with tryptophan.
Molecular consequence: missense variant.
Genome position (GRCh38, 1-based): chr10:93,351,817, G>A on the plus strand (C>T on the coding strand, the complement: MYOF is on the minus strand). VCF-style: chr10-93351817-G-A. GRCh37 (hg19) VCF-style: chr10-95111574-G-A.
Other names: c.3472C>T, p.Arg1158Trp (NM_133337.3); c.3511C>T (NM_013451.3); short protein forms R1158W, R1171W.
Identifiers: ClinVar variation 2640690 (VCV002640690.24), dbSNP rs529445117, ClinGen allele CA5607444.